The following is an entry in ClinVar:

ClinVar aggregate classification (germline): Uncertain significance (1 of 4 stars; one submission).

Conditions:
Hereditary cancer-predisposing syndrome. Also called: Neoplastic Syndromes, Hereditary; Tumor predisposition; Hereditary Cancer Syndrome; Hereditary neoplastic syndrome. Identifiers: Orphanet 140162, MedGen C0027672, MeSH D009386, MONDO:0015356.

Submission:

Ambry Genetics
Classification: Uncertain significance for Hereditary cancer-predisposing syndrome. Last evaluated: 2025-11-25. Review status: criteria provided, single submitter. Criteria: Ambry Variant Classification Scheme 2023. Collection method: clinical testing. Allele origin: germline.
Comment: The p.Y43H variant (also known as c.127T>C), located in coding exon 3 of the POT1 gene, results from a T to C substitution at nucleotide position 127. The tyrosine at codon 43 is replaced by histidine, an amino acid with similar properties. This amino acid position is conserved. In addition, the in silico prediction for this alteration is inconclusive. Based on the available evidence, the clinical significance of this variant remains unclear.

NM_015450.3(POT1):c.127T>C (p.Tyr43His)

Gene: POT1 (protection of telomeres 1; minus strand). Cytogenetic location: 7q31.33.
Variant type: single nucleotide variant.
Coding change: c.127T>C on transcript NM_015450.3 (MANE Select); coding-DNA position 127, T replaced by C.
Protein change: p.Tyr43His; replaces tyrosine 43 with histidine.
Molecular consequence: missense variant. On other transcripts: non-coding transcript variant (3), intron variant (1).
Genome position (GRCh38, 1-based): chr7:124,871,039, A>G on the plus strand (T>C on the coding strand, the complement: POT1 is on the minus strand). VCF-style: chr7-124871039-A-G. GRCh37 (hg19) VCF-style: chr7-124511093-A-G.
Other names: c.-138-7399T>C (NM_001042594.2); short protein forms Y43H.
Identifiers: ClinVar variation 4673873 (VCV004673873.1).